The following is an entry in ClinVar:

NM_203387.3(RNH1):c.1A>T (p.Met1Leu)

Gene: RNH1 (ribonuclease/angiogenin inhibitor 1; minus strand). Cytogenetic location: 11p15.5.
Variant type: single nucleotide variant.
Coding change: c.1A>T on transcript NM_203387.3 (MANE Select); coding-DNA position 1, A replaced by T.
Protein change: p.Met1Leu; changes the start codon (methionine 1).
Molecular consequence: missense variant, initiator codon variant.
Genome position (GRCh38, 1-based): chr11:502,162, T>A on the plus strand (A>T on the coding strand, the complement: RNH1 is on the minus strand). VCF-style: chr11-502162-T-A. GRCh37 (hg19) VCF-style: chr11-502162-T-A.
Other names: c.1A>T, p.Met1Leu (NM_002939.4, NM_203383.2, NM_203384.2 and 4 more transcripts); short protein forms M1L.
Identifiers: ClinVar variation 4278943 (VCV004278943.1).

ClinVar aggregate classification (germline): Uncertain significance (1 of 4 stars; one submission).

Conditions:
Encephalitis, acute, infection-induced, susceptibility to, 12. Also called: Encephalopathy, acute, infection-induced, susceptibility to, 12; ENCEPHALOPATHY, ACUTE NECROTIZING, SUSCEPTIBILITY TO. Identifiers: MedGen C5882673, MONDO:0957561, OMIM 620461.

Submission:

Kasturba Medical College, Manipal, Kasturba Medical College, Manipal, Manipal Academy of Higher Education, Manipal, India
Classification: Uncertain significance for Encephalitis, acute, infection-induced, susceptibility to, 12. Review status: criteria provided, single submitter. Criteria: ACMG Guidelines, 2015. Collection method: research. Allele origin: biparental. Inheritance: Autosomal recessive inheritance. Affected: yes. Observed: 1 homozygote.
Comment: This variant is not reported in homozygous and/or heterozygous state in the population database gnomAD (v4.1.0) and in our in-house exome database of 3755 individuals. This single-nucleotide variant is likely to abrogate the canonical start site, and in the absence of any other in-frame ‘ATG’, it is predicted that the translation machinery may recognize the out-of-frame ‘ATG’, which is likely to cause a shift in the reading frame of the transcript. This may either cause the transcript to undergo nonsense-mediated mRNA decay or lead to a truncated protein.